The following is an entry in ClinVar:

ClinVar aggregate classification (germline): Uncertain significance (1 of 4 stars; one submission).

Submission:

GeneDx
Classification: Uncertain significance. Last evaluated: 2022-01-05. Review status: criteria provided, single submitter. Criteria: GeneDx Variant Classification Process June 2021. Collection method: clinical testing. Allele origin: germline. Affected: yes.
Comment: Has not been previously published as pathogenic or benign to our knowledge; Not observed at significant frequency in large population cohorts (gnomAD); In silico analysis supports that this missense variant has a deleterious effect on protein structure/function

NM_024408.4(NOTCH2):c.1436C>T (p.Thr479Ile)

Gene: NOTCH2 (notch receptor 2; minus strand). Cytogenetic location: 1p12.
Variant type: single nucleotide variant.
Coding change: c.1436C>T on transcript NM_024408.4 (MANE Select); coding-DNA position 1436, C replaced by T.
Protein change: p.Thr479Ile; replaces threonine 479 with isoleucine.
Molecular consequence: missense variant.
Genome position (GRCh38, 1-based): chr1:119,967,450, G>A on the plus strand (C>T on the coding strand, the complement: NOTCH2 is on the minus strand). VCF-style: chr1-119967450-G-A. GRCh37 (hg19) VCF-style: chr1-120510073-G-A.
Other names: c.1436C>T, p.Thr479Ile (NM_001200001.2); short protein forms T479I.
Identifiers: ClinVar variation 1695787 (VCV001695787.2), dbSNP rs2101143667, ClinGen allele CA341877541.